The following is an entry in ClinVar:

NM_182914.3(SYNE2):c.1417A>G (p.Ile473Val)

Gene: SYNE2 (spectrin repeat containing nuclear envelope protein 2; plus strand). Cytogenetic location: 14q23.2.
Variant type: single nucleotide variant.
Coding change: c.1417A>G on transcript NM_182914.3 (MANE Select); coding-DNA position 1417, A replaced by G.
Protein change: p.Ile473Val; replaces isoleucine 473 with valine.
Molecular consequence: missense variant.
Genome position (GRCh38, 1-based): chr14:63,978,862, A>G. VCF-style: chr14-63978862-A-G. GRCh37 (hg19) VCF-style: chr14-64445580-A-G.
Other names: c.1417A>G, p.Ile473Val (NM_015180.6); short protein forms I473V.
Identifiers: ClinVar variation 1391266 (VCV001391266.6), dbSNP rs755692006, ClinGen allele CA7219436.

ClinVar aggregate classification (germline): Uncertain significance (1 of 4 stars; one submission).

Conditions:
Emery-Dreifuss muscular dystrophy 5, autosomal dominant (EDMD5). Also called: EMERY-DREIFUSS MUSCULAR DYSTROPHY 5. Identifiers: Orphanet 261, MedGen C2751805, MONDO:0013072, OMIM 612999.

Allele frequency attached by ClinVar (database versions not stated): TOPMed below 0.00001; ExAC 0.00001; gnomAD exomes 0.00001.
gnomAD v4.1: 4 of 1,612,722 alleles (0.00025%); highest among the groups gnomAD compares: Admixed American, 0.005%; no homozygotes.

Submission:

Labcorp Genetics (formerly Invitae), Labcorp
Classification: Uncertain significance for Emery-Dreifuss muscular dystrophy 5, autosomal dominant. Last evaluated: 2022-07-26. Review status: criteria provided, single submitter. Criteria: Invitae Variant Classification Sherloc (09022015). Collection method: clinical testing. Allele origin: germline.
Comment: In summary, the available evidence is currently insufficient to determine the role of this variant in disease. Therefore, it has been classified as a Variant of Uncertain Significance. Algorithms developed to predict the effect of missense changes on protein structure and function output the following: SIFT: "Tolerated"; PolyPhen-2: "Benign"; Align-GVGD: "Class C0". The valine amino acid residue is found in multiple mammalian species, which suggests that this missense change does not adversely affect protein function. ClinVar contains an entry for this variant (Variation ID: 1391266). This variant has not been reported in the literature in individuals affected with SYNE2-related conditions. This variant is present in population databases (rs755692006, gnomAD 0.009%). This sequence change replaces isoleucine, which is neutral and non-polar, with valine, which is neutral and non-polar, at codon 473 of the SYNE2 protein (p.Ile473Val).